The following is an entry in ClinVar:

NM_018941.4(CLN8):c.29C>T (p.Ser10Leu)

Gene: CLN8 (CLN8 transmembrane ER and ERGIC protein; plus strand). Cytogenetic location: 8p23.3.
Variant type: single nucleotide variant.
Coding change: c.29C>T on transcript NM_018941.4 (MANE Select); coding-DNA position 29, C replaced by T.
Protein change: p.Ser10Leu; replaces serine 10 with leucine.
Molecular consequence: missense variant.
Genome position (GRCh38, 1-based): chr8:1,771,083, C>T. VCF-style: chr8-1771083-C-T. GRCh37 (hg19) VCF-style: chr8-1719249-C-T.
Other names: short protein forms S10L.
Identifiers: ClinVar variation 934870 (VCV000934870.4), dbSNP rs1454175058, ClinGen allele CA369952734.

ClinVar aggregate classification (germline): Uncertain significance (1 of 4 stars; one submission).

Conditions:
Neuronal ceroid lipofuscinosis. Also called: Neuronal Ceroid Lipofuscinoses. Identifiers: Orphanet 216, Orphanet 79263, MedGen C0027877, MONDO:0016295. Disease mechanism: loss of function.

Allele frequency attached by ClinVar (database versions not stated): gnomAD exomes below 0.00001; TOPMed below 0.00001.
gnomAD v4.1: 2 of 1,614,056 alleles (0.00012%); highest among the groups gnomAD compares: Non-Finnish European, 0.00017%; no homozygotes.

Submission:

Labcorp Genetics (formerly Invitae), Labcorp
Classification: Uncertain significance for Neuronal ceroid lipofuscinosis. Last evaluated: 2022-08-16. Review status: criteria provided, single submitter. Criteria: Invitae Variant Classification Sherloc (09022015). Collection method: clinical testing. Allele origin: germline.
Comment: This sequence change replaces serine, which is neutral and polar, with leucine, which is neutral and non-polar, at codon 10 of the CLN8 protein (p.Ser10Leu). This variant is present in population databases (no rsID available, gnomAD 0.0009%). This variant has not been reported in the literature in individuals affected with CLN8-related conditions. ClinVar contains an entry for this variant (Variation ID: 934870). Advanced modeling of protein sequence and biophysical properties (such as structural, functional, and spatial information, amino acid conservation, physicochemical variation, residue mobility, and thermodynamic stability) performed at Invitae indicates that this missense variant is not expected to disrupt CLN8 protein function. In summary, the available evidence is currently insufficient to determine the role of this variant in disease. Therefore, it has been classified as a Variant of Uncertain Significance.